The following is an entry in ClinVar:

NM_004153.4(ORC1):c.790C>T (p.Arg264Trp)

Gene: ORC1 (origin recognition complex subunit 1; minus strand). Cytogenetic location: 1p32.3.
Variant type: single nucleotide variant.
Coding change: c.790C>T on transcript NM_004153.4 (MANE Select); coding-DNA position 790, C replaced by T.
Protein change: p.Arg264Trp; replaces arginine 264 with tryptophan.
Molecular consequence: missense variant.
Genome position (GRCh38, 1-based): chr1:52,393,735, G>A on the plus strand (C>T on the coding strand, the complement: ORC1 is on the minus strand). VCF-style: chr1-52393735-G-A. GRCh37 (hg19) VCF-style: chr1-52859407-G-A.
Other names: c.790C>T, p.Arg264Trp (NM_001190818.2, NM_001190819.2); short protein forms R264W.
Identifiers: ClinVar variation 1988601 (VCV001988601.4), dbSNP rs181880288, ClinGen allele CA853504.

ClinVar aggregate classification (germline): Uncertain significance (1 of 4 stars; one submission).

Allele frequency attached by ClinVar (database versions not stated): gnomAD exomes 0.00001; TOPMed 0.00001; ExAC 0.00002; gnomAD 0.00003; 1000 Genomes Project 30x 0.00031; 1000 Genomes Project 0.00040.
gnomAD v4.1: 23 of 1,613,982 alleles (0.0014%); highest among the groups gnomAD compares: Middle Eastern, 0.066%; no homozygotes.

Submission:

Labcorp Genetics (formerly Invitae), Labcorp
Classification: Uncertain significance. Last evaluated: 2025-12-01. Review status: criteria provided, single submitter. Criteria: Invitae Variant Classification Sherloc (09022015). Collection method: clinical testing. Allele origin: germline.
Comment: This sequence change replaces arginine, which is basic and polar, with tryptophan, which is neutral and slightly polar, at codon 264 of the ORC1 protein (p.Arg264Trp). This variant is present in population databases (rs181880288, gnomAD 0.01%). This variant has not been reported in the literature in individuals affected with ORC1-related conditions. ClinVar contains an entry for this variant (Variation ID: 1988601). Invitae Evidence Modeling of protein sequence and biophysical properties (such as structural, functional, and spatial information, amino acid conservation, physicochemical variation, residue mobility, and thermodynamic stability) has been performed for this missense variant. However, the output from this modeling did not meet the statistical confidence thresholds required to predict the impact of this variant on ORC1 protein function. In summary, the available evidence is currently insufficient to determine the role of this variant in disease. Therefore, it has been classified as a Variant of Uncertain Significance.